The following is an entry in ClinVar:

ClinVar aggregate classification (germline): Pathogenic/Likely pathogenic. Review status: criteria provided, multiple submitters, no conflicts (2 of 4 stars). 2 submissions from 2 submitters: Pathogenic (1); Likely pathogenic (1). Last evaluated 2025-04-15.

Conditions:
Nemaline myopathy 2 (NEM2). Also called: Nemaline myopathy 2, autosomal recessive. Identifiers: MedGen C1850569, MONDO:0009725, OMIM 256030.

Submissions (2):

Natera, Inc.
Classification: Likely pathogenic for Nemaline myopathy type 2. Last evaluated: 2025-04-15. Review status: criteria provided, single submitter. Criteria: Natera Variant Classification Schema (03/2026). Collection method: clinical testing. Allele origin: germline.
Comment: The c.12572del variant in NEB is a frameshift variant predicted to shift the reading frame beginning at codon 4191 and leads to a stop codon 40 codons downstream. This variant is expected to result in nonsense mediated decay, truncation, or a dysfunctional protein product. This variant is rare in the general population with a frequency below the threshold expected for the associated phenotype(s). Given the available evidence, this variant is classified as Likely Pathogenic.

Labcorp Genetics (formerly Invitae), Labcorp
Classification: Pathogenic for Nemaline myopathy 2. Last evaluated: 2022-12-10. Review status: criteria provided, single submitter. Criteria: Invitae Variant Classification Sherloc (09022015). Collection method: clinical testing. Allele origin: germline.
Comment: This variant occurs in a region of NEB (Exons 82-105) consisting of three highly homologous 8-exon repeat units (exons 82-89, exons 90-97, exons 98-105). Sequence variants in this region can be detected, but this assay cannot determine which of the three repeat units is affected, and zygosity is often ambiguous. All variants in this region are reported relative to the exon 82-89 repeat. For these reasons, this variant has been classified as Pathogenic. This variant has not been reported in the literature in individuals affected with NEB-related conditions. The frequency data for this variant in the population databases (gnomAD) is considered unreliable due to the presence of homologous sequence, such as pseudogenes or paralogs, in the genome. This sequence change creates a premature translational stop signal (p.Asn4191Thrfs*40) in the NEB gene. It is expected to result in an absent or disrupted protein product. Loss-of-function variants in NEB are known to be pathogenic (PMID: 25205138).

Literature cited by the submitters: PubMed 25205138 (cited by Labcorp Genetics (formerly Invitae), Labcorp).

NM_001164508.2(NEB):c.12572del (p.Asn4191fs)

Gene: NEB (nebulin; minus strand). Cytogenetic location: 2q23.3.
Variant type: Deletion.
Coding change: c.12572del on transcript NM_001164508.2 (MANE Select); coding-DNA position 12572, one base deleted (A; older notation c.12572delA).
Protein change: p.Asn4191fs; shifts the reading frame from asparagine 4191.
Molecular consequence: frameshift variant. On other transcripts: intron variant (1).
Genome position (GRCh38, 1-based): chr2:151,607,571, T deleted on the plus strand (A on the coding strand, the reverse complement: NEB is on the minus strand); the first of 2 consecutive T bases (chr2:151,607,571-151,607,572); deleting either gives the same sequence. VCF-style (leftmost placement, unchanged base first): chr2-151607570-GT-G. GRCh37 (hg19) VCF-style: chr2-152464084-GT-G.
Other names: c.12572del (NM_001271208.1); c.12572del, p.Asn4191fs (NM_001164507.2, NM_001271208.2); c.12571delA, p.Asn4191Thrfs (NM_001271208.1); c.11601+2238del (NM_004543.5); short protein forms N4191fs.
Identifiers: ClinVar variation 2787824 (VCV002787824.4), dbSNP rs1483606765, ClinGen allele CA536637487.